The following is an entry in ClinVar:

NM_019098.5(CNGB3):c.909T>G (p.Asp303Glu)

Gene: CNGB3 (cyclic nucleotide gated channel subunit beta 3; minus strand). Cytogenetic location: 8q21.3.
Variant type: single nucleotide variant.
Coding change: c.909T>G on transcript NM_019098.5 (MANE Select); coding-DNA position 909, T replaced by G.
Protein change: p.Asp303Glu; replaces aspartic acid 303 with glutamic acid.
Molecular consequence: missense variant.
Genome position (GRCh38, 1-based): chr8:86,647,882, A>C on the plus strand (T>G on the coding strand, the complement: CNGB3 is on the minus strand). VCF-style: chr8-86647882-A-C. GRCh37 (hg19) VCF-style: chr8-87660110-A-C.
Other names: c.909T>G (NM_019098.4); short protein forms D303E.
Identifiers: ClinVar variation 1953718 (VCV001953718.3), dbSNP rs1323101334, ClinGen allele CA371448306.

ClinVar aggregate classification (germline): Uncertain significance. Review status: criteria provided, multiple submitters, no conflicts (2 of 4 stars). 2 submissions from 2 submitters: Uncertain significance (2). Last evaluated 2026-08-19.

Conditions:
CNGB3-related disorder. Also called: CNGB3-related condition; CNGB3-related disorders. Identifiers: MedGen CN239340.

Submissions (2):

PreventionGenetics, part of Exact Sciences
Classification: Uncertain significance for CNGB3-related condition. Last evaluated: 2026-08-19. Review status: criteria provided, single submitter. Criteria: ACMG Guidelines, 2015. Collection method: clinical testing. Allele origin: germline.
Comment: The CNGB3 c.909T>G variant is predicted to result in the amino acid substitution p.Asp303Glu. To our knowledge, this variant has not been reported in the literature or in a large population database (gnomAD), indicating this variant is rare. At this time, the clinical significance of this variant is uncertain due to the absence of conclusive functional and genetic evidence.

Labcorp Genetics (formerly Invitae), Labcorp
Classification: Uncertain significance. Last evaluated: 2022-02-18. Review status: criteria provided, single submitter. Criteria: Invitae Variant Classification Sherloc (09022015). Collection method: clinical testing. Allele origin: germline.
Comment: This sequence change replaces aspartic acid, which is acidic and polar, with glutamic acid, which is acidic and polar, at codon 303 of the CNGB3 protein (p.Asp303Glu). This variant is not present in population databases (gnomAD no frequency). This variant has not been reported in the literature in individuals affected with CNGB3-related conditions. Advanced modeling of protein sequence and biophysical properties (such as structural, functional, and spatial information, amino acid conservation, physicochemical variation, residue mobility, and thermodynamic stability) performed at Invitae indicates that this missense variant is expected to disrupt CNGB3 protein function. In summary, the available evidence is currently insufficient to determine the role of this variant in disease. Therefore, it has been classified as a Variant of Uncertain Significance.